The following is an entry in ClinVar:

ClinVar aggregate classification (germline): Pathogenic/Likely pathogenic. Review status: criteria provided, multiple submitters, no conflicts (2 of 4 stars). 3 submissions from 3 submitters: Pathogenic (2); Likely pathogenic (1). Last evaluated 2025-11-24.

Conditions:
Joubert syndrome. Also called: Familial aplasia of the vermis; JOUBERT-BOLTSHAUSER SYNDROME. Identifiers: Orphanet 475, MedGen C5979921, MONDO:0018772.
Joubert syndrome 3 (JBTS3). Also called: AHI1-related Ciliopathy. Identifiers: Orphanet 220493, MedGen C1837713, MONDO:0012078, OMIM 608629.
AHI1-related disorder. Also called: AHI1-related condition.

Submissions (3):

Labcorp Genetics (formerly Invitae), Labcorp
Classification: Pathogenic for Joubert syndrome. Last evaluated: 2025-11-24. Review status: criteria provided, single submitter. Criteria: Invitae Variant Classification Sherloc (09022015). Collection method: clinical testing. Allele origin: germline.
Comment: This sequence change creates a premature translational stop signal (p.Ser604*) in the AHI1 gene. It is expected to result in an absent or disrupted protein product. Loss-of-function variants in AHI1 are known to be pathogenic (PMID: 15322546, 16453322, 28442542, 29186038). This variant is not present in population databases (gnomAD no frequency). This variant has not been reported in the literature in individuals affected with AHI1-related conditions. ClinVar contains an entry for this variant (Variation ID: 867053). For these reasons, this variant has been classified as Pathogenic.

Myriad Genetics, Inc.
Classification: Pathogenic for Joubert syndrome 3. Last evaluated: 2024-09-07. Review status: criteria provided, single submitter. Criteria: Myriad Autosomal Dominant, Autosomal Recessive and X-Linked Classification Criteria (2023). Collection method: clinical testing. Allele origin: unknown.
Comment: NM_001134831.1(AHI1):c.1811C>G(S604*) is expected to be pathogenic in the context of Joubert syndrome, AHI1-related. This variant is predicted to lead to an abnormal or absent protein product due to the creation of a premature termination codon in AHI1, a gene where loss-of-function variants are known to be pathogenic. Please note: this variant was assessed in the context of healthy population screening.

Blueprint Genetics
Classification: Likely pathogenic for AHI1-related disorders. Last evaluated: 2020-02-18. Review status: criteria provided, single submitter. Criteria: ACMG Guidelines, 2015. Collection method: clinical testing. Allele origin: germline. Affected: yes. Observed: 2 variant alleles.

Literature cited by the submitters: PubMed 15322546 (cited by Labcorp Genetics (formerly Invitae), Labcorp); PubMed 16453322 (cited by Labcorp Genetics (formerly Invitae), Labcorp); PubMed 28442542 (cited by Labcorp Genetics (formerly Invitae), Labcorp); PubMed 29186038 (cited by Labcorp Genetics (formerly Invitae), Labcorp).

NM_001134831.2(AHI1):c.1811C>G (p.Ser604Ter)

Gene: AHI1 (Abelson helper integration site 1; minus strand). Cytogenetic location: 6q23.3.
Variant type: single nucleotide variant.
Coding change: c.1811C>G on transcript NM_001134831.2 (MANE Select); coding-DNA position 1811, C replaced by G.
Protein change: p.Ser604Ter; replaces serine 604 with a stop codon.
Molecular consequence: nonsense.
Genome position (GRCh38, 1-based): chr6:135,442,683, G>C on the plus strand (C>G on the coding strand, the complement: AHI1 is on the minus strand). VCF-style: chr6-135442683-G-C. GRCh37 (hg19) VCF-style: chr6-135763821-G-C.
Other names: c.1811C>G, p.Ser604Ter (NM_001134830.2, NM_001134832.2, NM_001350503.2 and 2 more transcripts); short protein forms S604*.
Identifiers: ClinVar variation 867053 (VCV000867053.9), dbSNP rs781198326, ClinGen allele CA365744623.